The following is an entry in ClinVar:

NM_000057.4(BLM):c.1334C>T (p.Pro445Leu)

Gene: BLM (BLM RecQ like helicase; plus strand). Cytogenetic location: 15q26.1.
Variant type: single nucleotide variant.
Coding change: c.1334C>T on transcript NM_000057.4 (MANE Select); coding-DNA position 1334, C replaced by T.
Protein change: p.Pro445Leu; replaces proline 445 with leucine.
Molecular consequence: missense variant.
Genome position (GRCh38, 1-based): chr15:90,760,707, C>T. VCF-style: chr15-90760707-C-T. GRCh37 (hg19) VCF-style: chr15-91303937-C-T.
Other names: c.1334C>T (NM_000057.2); c.1334C>T, p.Pro445Leu (NM_001287246.2, NM_001287247.2); c.209C>T, p.Pro70Leu (NM_001287248.2); short protein forms P445L, P70L.
Identifiers: ClinVar variation 830239 (VCV000830239.3), dbSNP rs1895952164, ClinGen allele CA393842838.
Genomic context (GRCh38, chr15:90,760,707, plus strand): 5'-GCTCATTGTGGAGATACAGGCCTGATTCACTTGATGGCCCTATGGAGGGTGATTCCTGCC[C>T]TACAGGGAATTCTATGAAGGAGTTAAATTTTTCACACCTTCCCTCAAATTCTGTTTCTCC-3'
Protein context (NP_000048.1, residues 435-455): LDGPMEGDSC[Pro445Leu]TGNSMKELNF

ClinVar aggregate classification (germline): Uncertain significance. Review status: criteria provided, multiple submitters, no conflicts (2 of 4 stars). 2 submissions from 2 submitters: Uncertain significance (2). Last evaluated 2024-11-18.

Conditions:
Hereditary cancer-predisposing syndrome. Also called: Hereditary neoplastic syndrome; Neoplastic Syndromes, Hereditary; Tumor predisposition; Hereditary Cancer Syndrome. Identifiers: Orphanet 140162, MedGen C0027672, MeSH D009386, MONDO:0015356.
Hereditary breast ovarian cancer syndrome. Also called: Hereditary breast and/or ovarian cancer syndrome; Hereditary breast and ovarian cancer syndrome (HBOC); Breast and ovarian cancer; Hereditary breast and ovarian cancer; BRCA1- and BRCA2-Associated Hereditary Breast and Ovarian Cancer; Hereditary breast and ovarian cancer syndrome. Identifiers: Orphanet 145, MedGen C0677776, MeSH D061325, MONDO:0003582. Disease mechanism: loss of function.

Submissions (2):

Ambry Genetics
Classification: Uncertain significance for Hereditary cancer-predisposing syndrome. Last evaluated: 2024-11-18. Review status: criteria provided, single submitter. Criteria: Ambry Variant Classification Scheme 2023. Collection method: clinical testing. Allele origin: germline.
Comment: The p.P445L variant (also known as c.1334C>T), located in coding exon 6 of the BLM gene, results from a C to T substitution at nucleotide position 1334. The proline at codon 445 is replaced by leucine, an amino acid with similar properties. This amino acid position is conserved. In addition, this alteration is predicted to be tolerated by in silico analysis. Based on the available evidence, the clinical significance of this variant remains unclear.

Cancer Genomics Group, Japanese Foundation For Cancer Research
Classification: Uncertain significance for Hereditary breast and ovarian cancer syndrome. Last evaluated: 2019-05-01. Review status: criteria provided, single submitter. Criteria: ACMG Guidelines, 2015. Collection method: research. Allele origin: germline. Affected: yes.